The following is an entry in ClinVar:

ClinVar aggregate classification (germline): Uncertain significance (0 of 4 stars; one submission).

Conditions:
Obesity. Also called: Obesity disorder. Identifiers: Orphanet 71529, MedGen C0028754, MeSH D009765, MONDO:0011122, HP:0001513.

Submission:

Dash Lab, University Health Network
Classification: Uncertain significance for Inherited obesity. Last evaluated: 2018-05-01. Review status: no assertion criteria provided. Collection method: research. Allele origin: germline. Affected: yes. Observed: 1 variant allele.
Comment: Single case. Extreme obesity, non-specific learning disorder, anxiety and depression

NM_006180.6(NTRK2):c.2000C>G (p.Ser667Trp)

Gene: NTRK2 (neurotrophic receptor tyrosine kinase 2; plus strand). Cytogenetic location: 9q21.33.
Variant type: single nucleotide variant.
Coding change: c.2000C>G on transcript NM_006180.6 (MANE Select); coding-DNA position 2000, C replaced by G.
Protein change: p.Ser667Trp; replaces serine 667 with tryptophan.
Molecular consequence: missense variant.
Genome position (GRCh38, 1-based): chr9:84,955,345, C>G. VCF-style: chr9-84955345-C-G. GRCh37 (hg19) VCF-style: chr9-87570260-C-G.
Other names: c.1952C>G, p.Ser651Trp (NM_001018064.3, NM_001369532.1, NM_001369533.1); c.1916C>G, p.Ser639Trp (NM_001369534.1); c.1484C>G, p.Ser495Trp (NM_001369535.1); c.1532C>G, p.Ser511Trp (NM_001369536.1); short protein forms S667W, S495W, S651W, S511W, S639W.
Identifiers: ClinVar variation 559485 (VCV000559485.3), dbSNP rs777251032, ClinGen allele CA374010019.